The following is an entry in ClinVar:

NM_014252.4(SLC25A15):c.217G>T (p.Ala73Ser)

Gene: SLC25A15 (solute carrier family 25 member 15; plus strand). Cytogenetic location: 13q14.11.
Variant type: single nucleotide variant.
Coding change: c.217G>T on transcript NM_014252.4 (MANE Select); coding-DNA position 217, G replaced by T.
Protein change: p.Ala73Ser; replaces alanine 73 with serine.
Molecular consequence: missense variant. On other transcripts: non-coding transcript variant (2).
Genome position (GRCh38, 1-based): chr13:40,799,218, G>T. VCF-style: chr13-40799218-G-T. GRCh37 (hg19) VCF-style: chr13-41373354-G-T.
Other names: short protein forms A73S.
Identifiers: ClinVar variation 1979390 (VCV001979390.4), dbSNP rs531611390, ClinGen allele CA387916947.

ClinVar aggregate classification (germline): Uncertain significance (1 of 4 stars; one submission).

Conditions:
Hyperornithinemia-hyperammonemia-homocitrullinuria syndrome (HHHS). Also called: Ornithine translocase deficiency; HHH SYNDROME. Identifiers: Orphanet 415, MedGen C0268540, MONDO:0009393, OMIM 238970.

Submission:

Labcorp Genetics (formerly Invitae), Labcorp
Classification: Uncertain significance for Hyperornithinemia-hyperammonemia-homocitrullinuria syndrome. Last evaluated: 2024-10-23. Review status: criteria provided, single submitter. Criteria: Invitae Variant Classification Sherloc (09022015). Collection method: clinical testing. Allele origin: germline.
Comment: This sequence change replaces alanine, which is neutral and non-polar, with serine, which is neutral and polar, at codon 73 of the SLC25A15 protein (p.Ala73Ser). This variant is not present in population databases (gnomAD no frequency). This variant has not been reported in the literature in individuals affected with SLC25A15-related conditions. ClinVar contains an entry for this variant (Variation ID: 1979390). Invitae Evidence Modeling of protein sequence and biophysical properties (such as structural, functional, and spatial information, amino acid conservation, physicochemical variation, residue mobility, and thermodynamic stability) has been performed for this missense variant. However, the output from this modeling did not meet the statistical confidence thresholds required to predict the impact of this variant on SLC25A15 protein function. In summary, the available evidence is currently insufficient to determine the role of this variant in disease. Therefore, it has been classified as a Variant of Uncertain Significance.